The following is an entry in ClinVar:

NM_001376.5(DYNC1H1):c.12102+4A>T

Gene: DYNC1H1 (dynein cytoplasmic 1 heavy chain 1; plus strand). Cytogenetic location: 14q32.31.
Variant type: single nucleotide variant.
Coding change: c.12102+4A>T on transcript NM_001376.5 (MANE Select); 4 bases into the intron after coding-DNA position 12102, A replaced by T.
Molecular consequence: intron variant.
Genome position (GRCh38, 1-based): chr14:102,041,738, A>T. VCF-style: chr14-102041738-A-T. GRCh37 (hg19) VCF-style: chr14-102508075-A-T.
Identifiers: ClinVar variation 3653328 (VCV003653328.2).

ClinVar aggregate classification (germline): Uncertain significance (1 of 4 stars; one submission).

Conditions:
Charcot-Marie-Tooth disease axonal type 2O. Also called: CHARCOT-MARIE-TOOTH NEUROPATHY, AXONAL, TYPE 2O; CHARCOT-MARIE-TOOTH DISEASE, AXONAL, AUTOSOMAL DOMINANT, TYPE 2O; Charcot-Marie-Tooth Neuropathy Type 2O; Charcot-Marie-Tooth disease, axonal, type 20. Identifiers: Orphanet 284232, MedGen C3280220, MONDO:0013644, OMIM 614228.

gnomAD v4.1: 3 of 1,613,976 alleles (0.00019%); highest among the groups gnomAD compares: South Asian, 0.0033%; no homozygotes.

Submission:

Labcorp Genetics (formerly Invitae), Labcorp
Classification: Uncertain significance for Charcot-Marie-Tooth disease axonal type 2O. Last evaluated: 2024-05-21. Review status: criteria provided, single submitter. Criteria: Invitae Variant Classification Sherloc (09022015). Collection method: clinical testing. Allele origin: germline.
Comment: This sequence change falls in intron 65 of the DYNC1H1 gene. It does not directly change the encoded amino acid sequence of the DYNC1H1 protein. It affects a nucleotide within the consensus splice site. This variant is present in population databases (rs559197482, gnomAD 0.01%). This variant has not been reported in the literature in individuals affected with DYNC1H1-related conditions. Variants that disrupt the consensus splice site are a relatively common cause of aberrant splicing (PMID: 17576681, 9536098). Algorithms developed to predict the effect of sequence changes on RNA splicing suggest that this variant is not likely to affect RNA splicing. In summary, the available evidence is currently insufficient to determine the role of this variant in disease. Therefore, it has been classified as a Variant of Uncertain Significance.

Literature cited by the submitters: PubMed 17576681; PubMed 9536098.